The following is an entry in ClinVar:

NM_001267550.2(TTN):c.101195C>T (p.Thr33732Ile)

Genes: TTN-AS1 (TTN antisense RNA 1; plus strand), TTN (titin; minus strand). Cytogenetic location: 2q31.2.
Variant type: single nucleotide variant.
Coding change: c.101195C>T on transcript NM_001267550.2 (MANE Select); coding-DNA position 101195, C replaced by T.
Protein change: p.Thr33732Ile; replaces threonine 33732 with isoleucine.
Molecular consequence: missense variant.
Genome position (GRCh38, 1-based): chr2:178,535,420, G>A on the plus strand (C>T on the coding strand, the complement: TTN is on the minus strand). VCF-style: chr2-178535420-G-A. GRCh37 (hg19) VCF-style: chr2-179400147-G-A.
Other names: c.96272C>T, p.Thr32091Ile (NM_001256850.1); c.74000C>T, p.Thr24667Ile (NM_003319.4); c.93491C>T, p.Thr31164Ile (NM_133378.4); c.74375C>T, p.Thr24792Ile (NM_133432.3); c.74576C>T, p.Thr24859Ile (NM_133437.4); short protein forms T24667I, T24792I, T24859I, T31164I, T32091I, T33732I.
Identifiers: ClinVar variation 3763581 (VCV003763581.2).

ClinVar aggregate classification (germline): Uncertain significance (1 of 4 stars; one submission).

Conditions:
Autosomal recessive limb-girdle muscular dystrophy type 2J (LGMDR10). Also called: Limb-girdle muscular dystrophy, type 2J; MUSCULAR DYSTROPHY, LIMB-GIRDLE, AUTOSOMAL RECESSIVE 10. Identifiers: Orphanet 140922, MedGen C1837342, MONDO:0012127, OMIM 608807.
Dilated cardiomyopathy 1G (CMD1G). Identifiers: Orphanet 154, MedGen C1858763, MONDO:0011400, OMIM 604145.

gnomAD v4.1: 2 of 1,613,790 alleles (0.00012%); highest among the groups gnomAD compares: Admixed American, 0.0017%; no homozygotes.

Submission:

Labcorp Genetics (formerly Invitae), Labcorp
Classification: Uncertain significance for Dilated cardiomyopathy 1G; Autosomal recessive limb-girdle muscular dystrophy type 2J. Last evaluated: 2025-01-14. Review status: criteria provided, single submitter. Criteria: Invitae Variant Classification Sherloc (09022015). Collection method: clinical testing. Allele origin: germline.
Comment: This sequence change replaces threonine, which is neutral and polar, with isoleucine, which is neutral and non-polar, at codon 33732 of the TTN protein (p.Thr33732Ile). This variant is not present in population databases (gnomAD no frequency). This variant has not been reported in the literature in individuals affected with TTN-related conditions. Experimental studies and prediction algorithms are not available or were not evaluated, and the functional significance of this variant is currently unknown. This variant is located in the M band of TTN (PMID: 25589632). Non-truncating variants in this region may be relevant for neuromuscular disorders, but have not been definitively shown to cause cardiomyopathy (PMID: 23975875). In summary, the available evidence is currently insufficient to determine the role of this variant in disease. Therefore, it has been classified as a Variant of Uncertain Significance.

Literature cited by the submitters: PubMed 25589632; PubMed 23975875.